The following is an entry in ClinVar:

NM_004130.4(GYG1):c.425C>T (p.Ser142Leu)

Gene: GYG1 (glycogenin 1; plus strand). Cytogenetic location: 3q24.
Variant type: single nucleotide variant.
Coding change: c.425C>T on transcript NM_004130.4 (MANE Select); coding-DNA position 425, C replaced by T.
Protein change: p.Ser142Leu; replaces serine 142 with leucine.
Molecular consequence: missense variant.
Genome position (GRCh38, 1-based): chr3:148,996,848, C>T. VCF-style: chr3-148996848-C-T. GRCh37 (hg19) VCF-style: chr3-148714635-C-T.
Other names: c.425C>T, p.Ser142Leu (NM_001184720.2, NM_001184721.2); short protein forms S142L.
Identifiers: ClinVar variation 1414026 (VCV001414026.8), dbSNP rs1576538459, ClinGen allele CA354903317.
Genomic context (GRCh38, chr3:148,996,848, plus strand): 5'-CAGCACCAGACCCAGGGTGGCCTGACTGCTTCAATTCCGGAGTCTTCGTTTATCAGCCTT[C>T]AGTTGAAACATACAATCAGCTGTTGCATCTTGCTTCTGAGCAAGGTAGTTTTGATGGTAT-3'
Protein context (NP_004121.2, residues 132-152): FNSGVFVYQP[Ser142Leu]VETYNQLLHL

ClinVar aggregate classification (germline): Uncertain significance (1 of 4 stars; one submission).

Conditions:
Glycogen storage disease XV (GSD15). Also called: GLYCOGENIN DEFICIENCY; GSD XV. Identifiers: Orphanet 263297, MedGen C3150754, MONDO:0013291, OMIM 613507.
Polyglucosan body myopathy type 2. Identifiers: Orphanet 456369, MedGen C4015452, MONDO:0014526, OMIM 616199.

Submission:

Labcorp Genetics (formerly Invitae), Labcorp
Classification: Uncertain significance for Polyglucosan body myopathy type 2; Glycogen storage disease XV. Last evaluated: 2021-05-24. Review status: criteria provided, single submitter. Criteria: Invitae Variant Classification Sherloc (09022015). Collection method: clinical testing. Allele origin: germline.
Comment: In summary, the available evidence is currently insufficient to determine the role of this variant in disease. Therefore, it has been classified as a Variant of Uncertain Significance. Algorithms developed to predict the effect of missense changes on protein structure and function (SIFT, PolyPhen-2, Align-GVGD) all suggest that this variant is likely to be disruptive, but these predictions have not been confirmed by published functional studies and their clinical significance is uncertain. This variant has not been reported in the literature in individuals with GYG1-related conditions. This variant is not present in population databases (ExAC no frequency). This sequence change replaces serine with leucine at codon 142 of the GYG1 protein (p.Ser142Leu). The serine residue is highly conserved and there is a large physicochemical difference between serine and leucine.